The following is an entry in ClinVar:

NM_006000.3(TUBA4A):c.1119T>C (p.Arg373=)

Gene: TUBA4A (tubulin alpha 4a; minus strand). Cytogenetic location: 2q35.
Variant type: single nucleotide variant.
Coding change: c.1119T>C on transcript NM_006000.3 (MANE Select); coding-DNA position 1119, T replaced by C.
Protein change: p.Arg373=; no amino-acid change (arginine 373 retained).
Molecular consequence: synonymous variant.
Genome position (GRCh38, 1-based): chr2:219,250,580, A>G on the plus strand (T>C on the coding strand, the complement: TUBA4A is on the minus strand). VCF-style: chr2-219250580-A-G. GRCh37 (hg19) VCF-style: chr2-220115302-A-G.
Other names: c.1074T>C, p.Arg358= (NM_001278552.2).
Identifiers: ClinVar variation 4990207 (VCV004990207.1).

ClinVar aggregate classification (germline): Likely benign (1 of 4 stars; one submission).

Conditions:
TUBA4A-related disorder. Also called: TUBA4A-related condition.

Submission:

PreventionGenetics, part of Exact Sciences
Classification: Likely benign for TUBA4A-related condition. Last evaluated: 2025-02-13. Review status: criteria provided, single submitter. Criteria: ACMG Guidelines, 2015. Collection method: clinical testing. Allele origin: germline.
Comment: This variant is classified as likely benign based on ACMG/AMP sequence variant interpretation guidelines (Richards et al. 2015 PMID: 25741868, with internal and published modifications).